The following is an entry in ClinVar:

NM_001127453.2(GSDME):c.673T>C (p.Tyr225His)

Gene: GSDME (gasdermin E; minus strand). Cytogenetic location: 7p15.3.
Variant type: single nucleotide variant.
Coding change: c.673T>C on transcript NM_001127453.2 (MANE Select); coding-DNA position 673, T replaced by C.
Protein change: p.Tyr225His; replaces tyrosine 225 with histidine.
Molecular consequence: missense variant.
Genome position (GRCh38, 1-based): chr7:24,717,278, A>G on the plus strand (T>C on the coding strand, the complement: GSDME is on the minus strand). VCF-style: chr7-24717278-A-G. GRCh37 (hg19) VCF-style: chr7-24756897-A-G.
Other names: c.181T>C, p.Tyr61His (NM_001127454.2); c.673T>C, p.Tyr225His (NM_004403.3); c.673T>C (NM_004403.2); short protein forms Y225H, Y61H.
Identifiers: ClinVar variation 1680839 (VCV001680839.9), dbSNP rs746446857, ClinGen allele CA4191657.

ClinVar aggregate classification (germline): Uncertain significance. Review status: criteria provided, multiple submitters, no conflicts (2 of 4 stars). 2 submissions from 2 submitters: Uncertain significance (2). Last evaluated 2025-10-02.

Conditions:
Inborn genetic diseases. Identifiers: MedGen C0950123, MeSH D030342.

Allele frequency attached by ClinVar (database versions not stated): gnomAD exomes 0.00001 and 0.00002; gnomAD 0.00004 and 0.00003; ExAC 0.00002; TOPMed 0.00006.
gnomAD v4.1: 18 of 1,613,112 alleles (0.0011%); highest among the groups gnomAD compares: African/African-American, 0.017%; no homozygotes.

Submissions (2):

Ambry Genetics
Classification: Uncertain significance for Inborn genetic diseases. Last evaluated: 2025-10-02. Review status: criteria provided, single submitter. Criteria: Ambry Variant Classification Scheme 2023. Collection method: clinical testing. Allele origin: germline.

Labcorp Genetics (formerly Invitae), Labcorp
Classification: Uncertain significance. Last evaluated: 2021-05-26. Review status: criteria provided, single submitter. Criteria: Invitae Variant Classification Sherloc (09022015). Collection method: clinical testing. Allele origin: germline.
Comment: This sequence change replaces tyrosine with histidine at codon 225 of the DFNA5 protein (p.Tyr225His). The tyrosine residue is weakly conserved and there is a moderate physicochemical difference between tyrosine and histidine. This variant is present in population databases (rs746446857, ExAC 0.02%). In summary, the available evidence is currently insufficient to determine the role of this variant in disease. Therefore, it has been classified as a Variant of Uncertain Significance. Algorithms developed to predict the effect of missense changes on protein structure and function output the following: SIFT: "Deleterious"; PolyPhen-2: "Benign"; Align-GVGD: "Class C0". The histidine amino acid residue is found in multiple mammalian species, suggesting that this missense change does not adversely affect protein function. These predictions have not been confirmed by published functional studies and their clinical significance is uncertain. This variant has not been reported in the literature in individuals with DFNA5-related disease.